The following is an entry in ClinVar:

ClinVar aggregate classification (germline): Uncertain significance. Review status: criteria provided, multiple submitters, no conflicts (2 of 4 stars). 4 submissions from 4 submitters: Uncertain significance (3). 1 of the submissions does not count toward it. Last evaluated 2024-11-06.

Conditions:
Retinal dystrophy. Also called: Inherited retinal dystrophy. Identifiers: Orphanet 71862, MedGen C0854723, MeSH D058499, MONDO:0019118, HP:0000556.

Allele frequency attached by ClinVar (database versions not stated): gnomAD 0.00008; gnomAD exomes 0.00010; ExAC 0.00015; ESP Exome Variant Server 0.00023.
gnomAD v4.1: 110 of 1,613,886 alleles (0.0068%); highest among the groups gnomAD compares: Middle Eastern, 0.016%; no homozygotes.

Submissions (4):

Blueprint Genetics
Classification: Uncertain significance. Last evaluated: 2024-11-06. Review status: criteria provided, single submitter. Criteria: ACMG Guidelines, 2015. Collection method: clinical testing. Allele origin: germline.

Labcorp Genetics (formerly Invitae), Labcorp
Classification: Uncertain significance. Last evaluated: 2024-11-05. Review status: criteria provided, single submitter. Criteria: Invitae Variant Classification Sherloc (09022015). Collection method: clinical testing. Allele origin: germline.
Comment: This sequence change replaces histidine, which is basic and polar, with arginine, which is basic and polar, at codon 23 of the SLC7A14 protein (p.His23Arg). This variant is present in population databases (rs201686079, gnomAD 0.03%). This variant has not been reported in the literature in individuals affected with SLC7A14-related conditions. ClinVar contains an entry for this variant (Variation ID: 1406838). An algorithm developed to predict the effect of missense changes on protein structure and function (PolyPhen-2) suggests that this variant is likely to be tolerated. In summary, the available evidence is currently insufficient to determine the role of this variant in disease. Therefore, it has been classified as a Variant of Uncertain Significance.

Ambry Genetics
Classification: Uncertain significance. Last evaluated: 2022-12-05. Review status: criteria provided, single submitter. Criteria: Ambry Variant Classification Scheme 2023. Collection method: clinical testing. Allele origin: germline.

Institute of Human Genetics, Univ. Regensburg, Univ. Regensburg
Classification: Uncertain significance for Retinal dystrophy. Last evaluated: 2023-01-01. Review status: no assertion criteria provided. Criteria: ACMG Guidelines, 2015. Collection method: clinical testing. Allele origin: germline. Affected: yes. Not counted in ClinVar's aggregate classification.

NM_020949.3(SLC7A14):c.68A>G (p.His23Arg)

Genes: SLC7A14 (solute carrier family 7 member 14; minus strand), SLC7A14-AS1 (SLC7A14 antisense RNA 1; plus strand). Cytogenetic location: 3q26.2.
Variant type: single nucleotide variant.
Coding change: c.68A>G on transcript NM_020949.3 (MANE Select); coding-DNA position 68, A replaced by G.
Protein change: p.His23Arg; replaces histidine 23 with arginine.
Molecular consequence: missense variant.
Genome position (GRCh38, 1-based): chr3:170,526,869, T>C on the plus strand (A>G on the coding strand, the complement: SLC7A14 is on the minus strand). VCF-style: chr3-170526869-T-C. GRCh37 (hg19) VCF-style: chr3-170244658-T-C.
Other names: c.68A>G (NM_020949.2); short protein forms H23R.
Identifiers: ClinVar variation 1406838 (VCV001406838.9), dbSNP rs201686079, ClinGen allele CA2702016.